The following is an entry in ClinVar:

NM_003106.4(SOX2):c.115G>T (p.Asp39Tyr)

Genes: SOX2 (SRY-box transcription factor 2; plus strand), SOX2-OT (SOX2 overlapping transcript; plus strand), LOC108281177 (SOX2 5' regulatory region; plus strand). Cytogenetic location: 3q26.33.
Variant type: single nucleotide variant.
Coding change: c.115G>T on transcript NM_003106.4 (MANE Select); coding-DNA position 115, G replaced by T.
Protein change: p.Asp39Tyr; replaces aspartic acid 39 with tyrosine.
Molecular consequence: missense variant.
Genome position (GRCh38, 1-based): chr3:181,712,475, G>T. VCF-style: chr3-181712475-G-T. GRCh37 (hg19) VCF-style: chr3-181430263-G-T.
Other names: short protein forms D39Y.
Identifiers: ClinVar variation 4796492 (VCV004796492.1).

ClinVar aggregate classification (germline): Uncertain significance (1 of 4 stars; one submission).

Conditions:
Isolated anophthalmia-microphthalmia syndrome. Identifiers: Orphanet 2542, MedGen C5679828, MONDO:0016764.

Submission:

Genetics Department, University Hospital of Toulouse
Classification: Uncertain significance for Isolated anophthalmia-microphthalmia syndrome. Last evaluated: 2025-10-05. Review status: criteria provided, single submitter. Criteria: ACMG Guidelines, 2015. Collection method: clinical testing. Allele origin: germline. Affected: yes. Observed: 1 variant allele.